The following is an entry in ClinVar:

ClinVar aggregate classification (germline): Uncertain significance (1 of 4 stars; one submission).

Conditions:
Angelman syndrome (AS). Also called: HAPPY PUPPET SYNDROME. Identifiers: Orphanet 72, MedGen C0162635, MONDO:0007113, OMIM 105830. Disease mechanism: loss of function. Inheritance: AS is caused by disruption of maternally imprinted UBE3A located within the 15q11.2-q13 Angelman syndrome/Prader-Willi syndrome (AS/PWS) region., imprinting disorder.

Allele frequency attached by ClinVar (database versions not stated): ExAC 0.00001; gnomAD 0.00001; gnomAD exomes 0.00001; TOPMed 0.00001.
gnomAD v4.1: 21 of 1,613,560 alleles (0.0013%); highest among the groups gnomAD compares: Non-Finnish European, 0.0017%; no homozygotes.

Submission:

Labcorp Genetics (formerly Invitae), Labcorp
Classification: Uncertain significance for Angelman syndrome. Last evaluated: 2024-11-06. Review status: criteria provided, single submitter. Criteria: Invitae Variant Classification Sherloc (09022015). Collection method: clinical testing. Allele origin: germline.
Comment: This sequence change falls in intron 2 of the UBE3A gene. It does not directly change the encoded amino acid sequence of the UBE3A protein. It affects a nucleotide within the consensus splice site. This variant is present in population databases (rs200510893, gnomAD 0.0009%). This variant has not been reported in the literature in individuals affected with UBE3A-related conditions. ClinVar contains an entry for this variant (Variation ID: 1059360). Variants that disrupt the consensus splice site are a relatively common cause of aberrant splicing (PMID: 17576681, 9536098). Algorithms developed to predict the effect of sequence changes on RNA splicing suggest that this variant is not likely to affect RNA splicing. In summary, the available evidence is currently insufficient to determine the role of this variant in disease. Therefore, it has been classified as a Variant of Uncertain Significance.

Literature cited by the submitters: PubMed 17576681; PubMed 9536098.

NM_130839.5(UBE3A):c.361+6A>G

Genes: SNHG14 (small nucleolar RNA host gene 14; plus strand), UBE3A (ubiquitin protein ligase E3A; minus strand). Cytogenetic location: 15q11.2.
Variant type: single nucleotide variant.
Coding change: c.361+6A>G on transcript NM_130839.5 (MANE Select); 6 bases into the intron after coding-DNA position 361, A replaced by G.
Molecular consequence: intron variant.
Genome position (GRCh38, 1-based): chr15:25,375,459, T>C on the plus strand (A>G on the coding strand, the complement: UBE3A is on the minus strand). VCF-style: chr15-25375459-T-C. GRCh37 (hg19) VCF-style: chr15-25620606-T-C.
Other names: c.184+6A>G (NM_001354546.2); c.301+6A>G (NM_001354551.2, NM_001354549.2, NM_001354548.2 and 18 more transcripts); c.361+6A>G (NM_001354550.2, NM_001354545.2, NM_001354538.2 and 1 more transcripts); c.370+6A>G (NM_000462.5).
Identifiers: ClinVar variation 1059360 (VCV001059360.8), dbSNP rs200510893, ClinGen allele CA7435662.